The following is an entry in ClinVar:

ClinVar aggregate classification (germline): Uncertain significance (1 of 4 stars; one submission).

Conditions:
Hereditary cancer-predisposing syndrome. Also called: Tumor predisposition; Neoplastic Syndromes, Hereditary; Hereditary neoplastic syndrome; Hereditary Cancer Syndrome. Identifiers: Orphanet 140162, MedGen C0027672, MeSH D009386, MONDO:0015356.

Submission:

Ambry Genetics
Classification: Uncertain significance for Hereditary cancer-predisposing syndrome. Last evaluated: 2025-06-20. Review status: criteria provided, single submitter. Criteria: Ambry Variant Classification Scheme 2023. Collection method: clinical testing. Allele origin: germline.
Comment: The p.E384D variant (also known as c.1152G>C), located in coding exon 7 of the MEN1 gene, results from a G to C substitution at nucleotide position 1152. The glutamic acid at codon 384 is replaced by aspartic acid, an amino acid with highly similar properties. This amino acid position is conserved. In addition, this alteration is predicted to be tolerated by in silico analysis. Based on the available evidence, the clinical significance of this variant remains unclear.

NM_001370259.2(MEN1):c.1152G>C (p.Glu384Asp)

Gene: MEN1 (menin 1; minus strand). Cytogenetic location: 11q13.1.
Variant type: single nucleotide variant.
Coding change: c.1152G>C on transcript NM_001370259.2 (MANE Select); coding-DNA position 1152, G replaced by C.
Protein change: p.Glu384Asp; replaces glutamic acid 384 with aspartic acid.
Molecular consequence: missense variant. On other transcripts: non-coding transcript variant (4).
Genome position (GRCh38, 1-based): chr11:64,805,668, C>G on the plus strand (G>C on the coding strand, the complement: MEN1 is on the minus strand). VCF-style: chr11-64805668-C-G. GRCh37 (hg19) VCF-style: chr11-64573140-C-G.
Other names: c.1047G>C, p.Glu349Asp (NM_001407148.1, NM_001407149.1, NM_001370262.2 and 1 more transcripts); c.1293G>C, p.Glu431Asp (NM_001407150.1); c.1173G>C, p.Glu391Asp (NM_001407151.1); c.1152G>C, p.Glu384Asp (NM_001407152.1, NM_130799.3, NM_001370260.2 and 3 more transcripts); c.1167G>C, p.Glu389Asp (NM_130800.3, NM_130801.3, NM_000244.4 and 4 more transcripts); c.1278G>C, p.Glu426Asp (NM_001370251.2, NM_001407142.1, NM_001407143.1 and 1 more transcripts); short protein forms E384D, E431D, E349D, E389D, E391D, E426D.
Identifiers: ClinVar variation 4106559 (VCV004106559.1).